The following is an entry in ClinVar:

ClinVar aggregate classification (germline): Pathogenic (1 of 4 stars; one submission).

Conditions:
Severe combined immunodeficiency, autosomal recessive, T cell-negative, B cell-negative, NK cell-positive. Also called: SCID, T CELL-NEGATIVE, B CELL-NEGATIVE, NK CELL-POSITIVE; SCID, AR, T-cell negative, B-cell negative, NK cell-positive; Severe combined immunodeficiency due to complete RAG1/2 deficiency. Identifiers: Orphanet 331206, MedGen C1832322, MONDO:0011086, OMIM 601457.
Combined immunodeficiency with skin granulomas. Identifiers: Orphanet 157949, MedGen C2673536, MONDO:0009306, OMIM 233650.

Submission:

Labcorp Genetics (formerly Invitae), Labcorp
Classification: Pathogenic for Combined immunodeficiency with skin granulomas; Severe combined immunodeficiency, autosomal recessive, T cell-negative, B cell-negative, NK cell-positive. Last evaluated: 2026-01-11. Review status: criteria provided, single submitter. Criteria: Invitae Variant Classification Sherloc (09022015). Collection method: clinical testing. Allele origin: germline.
Comment: This sequence change creates a premature translational stop signal (p.Lys222Glufs*19) in the RAG1 gene. While this is not anticipated to result in nonsense mediated decay, it is expected to disrupt the last 822 amino acid(s) of the RAG1 protein. This variant is not present in population databases (gnomAD no frequency). This variant has not been reported in the literature in individuals affected with RAG1-related conditions. This variant disrupts a region of the RAG1 protein in which other variant(s) (p.Trp959*) have been determined to be pathogenic (PMID: 11133745, 24290284, 24406074). This suggests that this is a clinically significant region of the protein, and that variants that disrupt it are likely to be disease-causing. For these reasons, this variant has been classified as Pathogenic.

Literature cited by the submitters: PubMed 11133745; PubMed 24290284; PubMed 24406074.

NM_000448.3(RAG1):c.664_665del (p.Lys222fs)

Gene: RAG1 (recombination activating 1; plus strand). Cytogenetic location: 11p12.
Variant type: Deletion.
Coding change: c.664_665del on transcript NM_000448.3 (MANE Select); coding-DNA positions 664 to 665, 2 bases deleted (AA; older notation c.664_665delAA).
Protein change: p.Lys222fs; shifts the reading frame from lysine 222.
Molecular consequence: frameshift variant.
Genome position (GRCh38, 1-based): chr11:36,573,968-36,573,969, AA deleted. VCF-style (leftmost placement, unchanged base first): chr11-36573967-CAA-C. GRCh37 (hg19) VCF-style: chr11-36595517-CAA-C.
Other names: c.664_665del, p.Lys222fs (NM_001377277.1, NM_001377278.1, NM_001377279.1 and 3 more transcripts); short protein forms K222fs.
Identifiers: ClinVar variation 4789074 (VCV004789074.1).
Genomic context (GRCh38, chr11:36,573,967, plus strand): 5'-CATGGAGTGGCACCCCCACACACCATCCTGTGACATCTGCAACACTGCCCGTCGGGGACT[CAA>C]GAGGAAGAGTCTTCAGCCAAACTTGCAGCTCAGCAAAAAACTCAAAACTGTGCTTGACCA-3'